The following is an entry in ClinVar:

ClinVar aggregate classification (germline): Likely benign. Review status: criteria provided, multiple submitters, no conflicts (2 of 4 stars). 3 submissions from 3 submitters: Likely benign (3). Last evaluated 2025-05-06.

Conditions:
Ehlers-Danlos syndrome, spondylodysplastic type, 3. Also called: Ehlers-Danlos syndrome, spondylocheirodysplastic type. Identifiers: Orphanet 157965, MedGen C2676510, MONDO:0012873, OMIM 612350.

Allele frequency attached by ClinVar (database versions not stated): gnomAD 0.00001; gnomAD exomes 0.00001 and 0.00002; TOPMed 0.00001; ExAC 0.00002.
gnomAD v4.1: 23 of 1,610,962 alleles (0.0014%); highest among the groups gnomAD compares: East Asian, 0.0045%; no homozygotes.

Submissions (3):

Labcorp Genetics (formerly Invitae), Labcorp
Classification: Likely benign for Ehlers-Danlos syndrome, spondylodysplastic type, 3. Last evaluated: 2025-05-06. Review status: criteria provided, single submitter. Criteria: Invitae Variant Classification Sherloc (09022015). Collection method: clinical testing. Allele origin: germline.

Blueprint Genetics
Classification: Likely benign. Last evaluated: 2024-05-09. Review status: criteria provided, single submitter. Criteria: ACMG Guidelines, 2015. Collection method: clinical testing. Allele origin: germline.

CeGaT Center for Human Genetics Tuebingen
Classification: Likely benign. Last evaluated: 2023-04-01. Review status: criteria provided, single submitter. Criteria: CeGaT Center For Human Genetics Tuebingen Variant Classification Criteria Version 2. Collection method: clinical testing. Allele origin: germline. Affected: yes. Observed: 1 variant allele.
Comment: SLC39A13: BP4, BP7

NM_001128225.3(SLC39A13):c.816C>T (p.Ala272=)

Gene: SLC39A13 (solute carrier family 39 member 13; plus strand). Cytogenetic location: 11p11.2.
Variant type: single nucleotide variant.
Coding change: c.816C>T on transcript NM_001128225.3 (MANE Select); coding-DNA position 816, C replaced by T.
Protein change: p.Ala272=; no amino-acid change (alanine 272 retained).
Molecular consequence: synonymous variant. On other transcripts: non-coding transcript variant (1).
Genome position (GRCh38, 1-based): chr11:47,414,806, C>T. VCF-style: chr11-47414806-C-T. GRCh37 (hg19) VCF-style: chr11-47436357-C-T.
Other names: c.816C>T, p.Ala272= (NM_001330245.2, NM_152264.5).
Identifiers: ClinVar variation 1583435 (VCV001583435.36), dbSNP rs764438635, ClinGen allele CA5975959.